The following is an entry in ClinVar:

NM_031220.4(PITPNM3):c.440C>T (p.Pro147Leu)

Gene: PITPNM3 (PITPNM family member 3; minus strand). Cytogenetic location: 17p13.2.
Variant type: single nucleotide variant.
Coding change: c.440C>T on transcript NM_031220.4 (MANE Select); coding-DNA position 440, C replaced by T.
Protein change: p.Pro147Leu; replaces proline 147 with leucine.
Molecular consequence: missense variant.
Genome position (GRCh38, 1-based): chr17:6,483,664, G>A on the plus strand (C>T on the coding strand, the complement: PITPNM3 is on the minus strand). VCF-style: chr17-6483664-G-A. GRCh37 (hg19) VCF-style: chr17-6386984-G-A.
Other names: c.332C>T, p.Pro111Leu (NM_001165966.2); c.440C>T (NM_031220.3); short protein forms P111L, P147L.
Identifiers: ClinVar variation 2178526 (VCV002178526.5), dbSNP rs202241183, ClinGen allele CA8329824.

ClinVar aggregate classification (germline): Uncertain significance. Review status: criteria provided, multiple submitters, no conflicts (2 of 4 stars). 2 submissions from 2 submitters: Uncertain significance (2). Last evaluated 2025-09-22.

Allele frequency attached by ClinVar (database versions not stated): gnomAD exomes 0.00001; TOPMed 0.00001; ExAC 0.00002; gnomAD 0.00003; 1000 Genomes Project 30x 0.00016; 1000 Genomes Project 0.00020.
gnomAD v4.1: 18 of 1,612,346 alleles (0.0011%); highest among the groups gnomAD compares: East Asian, 0.025%; no homozygotes.

Submissions (2):

Ambry Genetics
Classification: Uncertain significance. Last evaluated: 2025-09-22. Review status: criteria provided, single submitter. Criteria: Ambry Variant Classification Scheme 2023. Collection method: clinical testing. Allele origin: germline.

Labcorp Genetics (formerly Invitae), Labcorp
Classification: Uncertain significance. Last evaluated: 2025-05-19. Review status: criteria provided, single submitter. Criteria: Invitae Variant Classification Sherloc (09022015). Collection method: clinical testing. Allele origin: germline.
Comment: This sequence change replaces proline, which is neutral and non-polar, with leucine, which is neutral and non-polar, at codon 147 of the PITPNM3 protein (p.Pro147Leu). This variant is present in population databases (rs202241183, gnomAD 0.02%). This variant has not been reported in the literature in individuals affected with PITPNM3-related conditions. ClinVar contains an entry for this variant (Variation ID: 2178526). Invitae Evidence Modeling of protein sequence and biophysical properties (such as structural, functional, and spatial information, amino acid conservation, physicochemical variation, residue mobility, and thermodynamic stability) indicates that this missense variant is not expected to disrupt PITPNM3 protein function with a negative predictive value of 80%. In summary, the available evidence is currently insufficient to determine the role of this variant in disease. Therefore, it has been classified as a Variant of Uncertain Significance.